The following is an entry in ClinVar:

NM_006231.4(POLE):c.4778T>C (p.Leu1593Pro)

Gene: POLE (DNA polymerase epsilon, catalytic subunit; minus strand). Cytogenetic location: 12q24.33.
Variant type: single nucleotide variant.
Coding change: c.4778T>C on transcript NM_006231.4 (MANE Select); coding-DNA position 4778, T replaced by C.
Protein change: p.Leu1593Pro; replaces leucine 1593 with proline.
Molecular consequence: missense variant.
Genome position (GRCh38, 1-based): chr12:132,642,680, A>G on the plus strand (T>C on the coding strand, the complement: POLE is on the minus strand). VCF-style: chr12-132642680-A-G. GRCh37 (hg19) VCF-style: chr12-133219266-A-G.
Other names: short protein forms L1593P.
Identifiers: ClinVar variation 1743009 (VCV001743009.2), dbSNP rs2541886259, ClinGen allele CA387378420.

ClinVar aggregate classification (germline): Uncertain significance (1 of 4 stars; one submission).

Conditions:
Hereditary cancer-predisposing syndrome. Also called: Hereditary Cancer Syndrome; Neoplastic Syndromes, Hereditary; Tumor predisposition; Hereditary neoplastic syndrome. Identifiers: Orphanet 140162, MedGen C0027672, MeSH D009386, MONDO:0015356.

Submission:

Ambry Genetics
Classification: Uncertain significance for Hereditary cancer-predisposing syndrome. Last evaluated: 2022-02-26. Review status: criteria provided, single submitter. Criteria: Ambry Variant Classification Scheme 2023. Collection method: clinical testing. Allele origin: germline.
Comment: The p.L1593P variant (also known as c.4778T>C), located in coding exon 37 of the POLE gene, results from a T to C substitution at nucleotide position 4778. The leucine at codon 1593 is replaced by proline, an amino acid with similar properties. This amino acid position is conserved. In addition, the in silico prediction for this alteration is inconclusive. Since supporting evidence is limited at this time, the clinical significance of this alteration remains unclear.